The following is an entry in ClinVar:

NM_004287.5(GOSR2):c.106G>A (p.Glu36Lys)

Genes: LRRC37A2 (leucine rich repeat containing 37 member A2), GOSR2 (golgi SNAP receptor complex member 2; plus strand), LOC126862578 (BRD4-independent group 4 enhancer GRCh37_chr17:45008344-45009543; plus strand). Cytogenetic location: 17q21.32.
Variant type: single nucleotide variant.
Coding change: c.106G>A on transcript NM_004287.5 (MANE Select); coding-DNA position 106, G replaced by A.
Protein change: p.Glu36Lys; replaces glutamic acid 36 with lysine.
Molecular consequence: missense variant. On other transcripts: non-coding transcript variant (3).
Genome position (GRCh38, 1-based): chr17:46,931,110, G>A. VCF-style: chr17-46931110-G-A. GRCh37 (hg19) VCF-style: chr17-45008476-G-A.
Other names: c.106G>A, p.Glu36Lys (NM_001012511.3, NM_001321133.2, NM_001330252.2 and 1 more transcripts); c.52G>A, p.Glu18Lys (NM_001321134.2, NM_001363851.2); c.103G>A, p.Glu35Lys (NM_001353114.2, NM_001353115.2, NM_001353116.2); c.106G>A (NM_004287.3); short protein forms E35K, E18K, E36K.
Identifiers: ClinVar variation 2066076 (VCV002066076.2), dbSNP rs745538896, ClinGen allele CA8621165.

ClinVar aggregate classification (germline): Uncertain significance. Review status: criteria provided, multiple submitters, no conflicts (2 of 4 stars). 2 submissions from 2 submitters: Uncertain significance (2). Last evaluated 2025-09-21.

Conditions:
Inborn genetic diseases. Identifiers: MedGen C0950123, MeSH D030342.
Progressive myoclonic epilepsy. Also called: Myoclonus epilepsy; Progressive myoclonus epilepsy; Myoclonic Epilepsies, Progressive; Familial progressive myoclonic epilepsy. Identifiers: Orphanet 308, Orphanet 98261, MedGen C0751778, MONDO:0020074.

Allele frequency attached by ClinVar (database versions not stated): gnomAD exomes 0.00001; TOPMed 0.00006; ExAC 0.00002; gnomAD 0.00006.
gnomAD v4.1: 20 of 1,588,718 alleles (0.0013%); highest among the groups gnomAD compares: African/African-American, 0.011%; no homozygotes.

Submissions (2):

Ambry Genetics
Classification: Uncertain significance for Inborn genetic diseases. Last evaluated: 2025-09-21. Review status: criteria provided, single submitter. Criteria: Ambry Variant Classification Scheme 2023. Collection method: clinical testing. Allele origin: germline.

Labcorp Genetics (formerly Invitae), Labcorp
Classification: Uncertain significance for Progressive myoclonic epilepsy. Last evaluated: 2022-09-22. Review status: criteria provided, single submitter. Criteria: Invitae Variant Classification Sherloc (09022015). Collection method: clinical testing. Allele origin: germline.
Comment: This sequence change replaces glutamic acid, which is acidic and polar, with lysine, which is basic and polar, at codon 36 of the GOSR2 protein (p.Glu36Lys). This variant is present in population databases (rs745538896, gnomAD 0.01%). This variant has not been reported in the literature in individuals affected with GOSR2-related conditions. Algorithms developed to predict the effect of missense changes on protein structure and function (SIFT, PolyPhen-2, Align-GVGD) all suggest that this variant is likely to be tolerated. In summary, the available evidence is currently insufficient to determine the role of this variant in disease. Therefore, it has been classified as a Variant of Uncertain Significance.